The following is an entry in ClinVar:

ClinVar aggregate classification (germline): Benign (1 of 4 stars; one submission).

Allele frequency attached by ClinVar (database versions not stated): 1000 Genomes Project 0.01098; 1000 Genomes Project 30x 0.01249.

Submission:

Unidad de Genómica Garrahan, Hospital de Pediatría Garrahan
Classification: Benign. Last evaluated: 2024-01-24. Review status: criteria provided, single submitter. Criteria: ACMG Guidelines, 2015. Collection method: clinical testing. Allele origin: germline. Affected: no. Observed: 18 variant alleles.
Comment: This variant is classified as Benign based on local population frequency. This variant was detected in 20% of patients studied by a panel of primary immunodeficiencies. Number of patients: 18. Only high quality variants are reported.

NM_001013838.3(CARMIL2):c.3120+160C>T

Gene: CARMIL2 (capping protein regulator and myosin 1 linker 2; plus strand). Cytogenetic location: 16q22.1.
Variant type: single nucleotide variant.
Coding change: c.3120+160C>T on transcript NM_001013838.3 (MANE Select); 160 bases into the intron after coding-DNA position 3120, C replaced by T.
Molecular consequence: intron variant.
Genome position (GRCh38, 1-based): chr16:67,653,414, C>T. VCF-style: chr16-67653414-C-T. GRCh37 (hg19) VCF-style: chr16-67687317-C-T.
Other names: c.3012+160C>T (NM_001317026.3).
Identifiers: ClinVar variation 2688511 (VCV002688511.2), dbSNP rs143620025, ClinGen allele CA283210455.